The following is an entry in ClinVar:

ClinVar aggregate classification (germline): Conflicting classifications of pathogenicity. Review status: criteria provided, conflicting classifications (1 of 4 stars). 3 submissions from 3 submitters: Uncertain significance (2); Likely benign (1). Last evaluated 2026-09-08.

Conditions:
Hereditary cancer-predisposing syndrome. Also called: Neoplastic Syndromes, Hereditary; Hereditary Cancer Syndrome; Hereditary neoplastic syndrome; Tumor predisposition. Identifiers: Orphanet 140162, MedGen C0027672, MeSH D009386, MONDO:0015356.
Melanoma, cutaneous malignant, susceptibility to, 1 (CMM1). Also called: MELANOMA, MALIGNANT; DYSPLASTIC NEVUS SYNDROME, HEREDITARY; FAMILIAL ATYPICAL MOLE-MALIGNANT MELANOMA SYNDROME; B-K MOLE SYNDROME. Identifiers: Orphanet 618, MedGen C1835047, MONDO:0007963, OMIM 155600.
Peutz-Jeghers syndrome (PJS). Also called: POLYPOSIS, HAMARTOMATOUS INTESTINAL; POLYPS-AND-SPOTS SYNDROME; Peutz-Jeghers polyposis; Periorificial lentiginosis syndrome. Identifiers: Orphanet 2869, MedGen C0031269, MeSH D010580, MONDO:0008280, OMIM 175200.

Submissions (3):

Ambry Genetics
Classification: Likely benign for Hereditary cancer-predisposing syndrome. Last evaluated: 2026-09-08. Review status: criteria provided, single submitter. Criteria: Ambry Variant Classification Scheme 2023. Collection method: clinical testing. Allele origin: germline.

Baylor Genetics
Classification: Uncertain significance for Melanoma, cutaneous malignant, susceptibility to, 1. Last evaluated: 2023-07-14. Review status: criteria provided, single submitter. Criteria: ACMG Guidelines, 2015. Collection method: clinical testing. Allele origin: unknown.

Labcorp Genetics (formerly Invitae), Labcorp
Classification: Uncertain significance for Peutz-Jeghers syndrome. Last evaluated: 2023-03-09. Review status: criteria provided, single submitter. Criteria: Invitae Variant Classification Sherloc (09022015). Collection method: clinical testing. Allele origin: germline.
Comment: In summary, the available evidence is currently insufficient to determine the role of this variant in disease. Therefore, it has been classified as a Variant of Uncertain Significance. Advanced modeling of protein sequence and biophysical properties (such as structural, functional, and spatial information, amino acid conservation, physicochemical variation, residue mobility, and thermodynamic stability) performed at Invitae indicates that this missense variant is not expected to disrupt STK11 protein function. ClinVar contains an entry for this variant (Variation ID: 657880). This variant has not been reported in the literature in individuals affected with STK11-related conditions. This variant is not present in population databases (gnomAD no frequency). This sequence change replaces alanine, which is neutral and non-polar, with aspartic acid, which is acidic and polar, at codon 410 of the STK11 protein (p.Ala410Asp).

NM_000455.5(STK11):c.1229C>A (p.Ala410Asp)

Gene: STK11 (serine/threonine kinase 11; plus strand). Cytogenetic location: 19p13.3.
Variant type: single nucleotide variant.
Coding change: c.1229C>A on transcript NM_000455.5 (MANE Select); coding-DNA position 1229, C replaced by A.
Protein change: p.Ala410Asp; replaces alanine 410 with aspartic acid.
Molecular consequence: missense variant.
Genome position (GRCh38, 1-based): chr19:1,226,574, C>A. VCF-style: chr19-1226574-C-A. GRCh37 (hg19) VCF-style: chr19-1226573-C-A.
Other names: short protein forms A410D.
Identifiers: ClinVar variation 657880 (VCV000657880.13), dbSNP rs372329880, ClinGen allele CA402953866.
Genomic context (GRCh38, chr19:1,226,574, plus strand): 5'-TGTGTATGAACGGCACAGAGGCGGCGCAGCTGAGCACCAAATCCAGGGCGGAGGGCCGGG[C>A]CCCCAACCCTGCCCGCAAGGCCTGCTCCGCCAGCAGCAAGATCCGCCGGCTGTCGGCCTG-3'
Protein context (NP_000446.1, residues 400-420): LSTKSRAEGR[Ala410Asp]PNPARKACSA